The following is an entry in ClinVar:

ClinVar aggregate classification (germline): Uncertain significance. Review status: criteria provided, single submitter (1 of 4 stars). 2 submissions from 2 submitters: Uncertain significance (1). 1 of the submissions does not count toward it. Last evaluated 2016-06-06.

Conditions:
Progressive familial intrahepatic cholestasis type 2. Identifiers: Orphanet 79304, MedGen C3489789, MONDO:0011156, OMIM 601847.

Allele frequency attached by ClinVar (database versions not stated): ExAC 0.00001; gnomAD 0.00001; TOPMed 0.00001; gnomAD exomes 0.00002.
gnomAD v4.1: 24 of 1,609,200 alleles (0.0015%); highest among the groups gnomAD compares: Non-Finnish European, 0.002%; no homozygotes.

Submissions (2):

GeneDx
Classification: Uncertain significance. Last evaluated: 2016-06-06. Review status: criteria provided, single submitter. Criteria: GeneDx Variant Classification (06012015). Collection method: clinical testing. Allele origin: germline. Affected: yes.
Comment: The G1216A variant in the ABCB11 gene has not been reported previously as a pathogenic variant, nor as a benign variant, to our knowledge. The G1216A variant was not observed in approximately 5900 individuals of European and African American ancestry in the NHLBI Exome Sequencing Project, indicating it is not a common benign variant in these populations. The G1216A variant is a conservative amino acid substitution, which is not likely to impact secondary protein structure as these residues share similar properties. However, this substitution occurs at a position that is conserved across species, and in silico analysis predicts this variant is probably damaging to the protein structure/function. A missense variants in a nearby residue, V1212F, has been reported in the Human Gene Mutation Database in association with progressive familial intrahepatic cholestasis (Stenson et al., 2014), supporting the functional importance of this region of the protein. Based on review of the data in the context of the 2015 ACMG standards and guidelines for the interpretation of sequence variants (Richards et al., 2015), we now interpret G1216A as a variant of uncertain significance.

Natera, Inc.
Classification: Uncertain significance for Progressive familial intrahepatic cholestasis type 2. Last evaluated: 2019-10-28. Review status: no assertion criteria provided. Collection method: clinical testing. Allele origin: germline. Not counted in ClinVar's aggregate classification.

NM_003742.4(ABCB11):c.3647G>C (p.Gly1216Ala)

Gene: ABCB11 (ATP binding cassette subfamily B member 11; minus strand). Cytogenetic location: 2q31.1.
Variant type: single nucleotide variant.
Coding change: c.3647G>C on transcript NM_003742.4 (MANE Select); coding-DNA position 3647, G replaced by C.
Protein change: p.Gly1216Ala; replaces glycine 1216 with alanine.
Molecular consequence: missense variant.
Genome position (GRCh38, 1-based): chr2:168,924,775, C>G on the plus strand (G>C on the coding strand, the complement: ABCB11 is on the minus strand). VCF-style: chr2-168924775-C-G. GRCh37 (hg19) VCF-style: chr2-169781285-C-G.
Other names: c.3647G>C, p.Gly1216Ala (LRG_1199t1); short protein forms G1216A.
Identifiers: ClinVar variation 265016 (VCV000265016.3), dbSNP rs769192036, ClinGen allele CA1950968.